The following is an entry in ClinVar:

NM_198253.3(TERT):c.2382+4T>C

Gene: TERT (telomerase reverse transcriptase; minus strand). Cytogenetic location: 5p15.33.
Variant type: single nucleotide variant.
Coding change: c.2382+4T>C on transcript NM_198253.3 (MANE Select); 4 bases into the intron after coding-DNA position 2382, T replaced by C.
Molecular consequence: intron variant.
Genome position (GRCh38, 1-based): chr5:1,272,181, A>G on the plus strand (T>C on the coding strand, the complement: TERT is on the minus strand). VCF-style: chr5-1272181-A-G. GRCh37 (hg19) VCF-style: chr5-1272296-A-G.
Other names: c.2382+4T>C (NM_001193376.3).
Identifiers: ClinVar variation 644979 (VCV000644979.9), dbSNP rs1579564791, ClinGen allele CA915943243.

ClinVar aggregate classification (germline): Uncertain significance (1 of 4 stars; one submission).

Conditions:
Dyskeratosis congenita, autosomal dominant 2. Identifiers: MedGen C3151443, MONDO:0013521, OMIM 613989.
Idiopathic Pulmonary Fibrosis. Also called: Idiopathic fibrosing alveolitis, chronic form; idiopathic fibrosing alveolitis. Identifiers: Orphanet 2032, MedGen C1800706, MeSH D054990, MONDO:0800504.

Submission:

Labcorp Genetics (formerly Invitae), Labcorp
Classification: Uncertain significance for Dyskeratosis congenita, autosomal dominant 2; Idiopathic Pulmonary Fibrosis. Last evaluated: 2018-09-03. Review status: criteria provided, single submitter. Criteria: Invitae Variant Classification Sherloc (09022015). Collection method: clinical testing. Allele origin: germline.
Comment: This sequence change falls in intron 7 of the TERT gene. It does not directly change the encoded amino acid sequence of the TERT protein, but it affects a nucleotide within the consensus splice site of the intron. This variant is not present in population databases (ExAC no frequency). This variant has not been reported in the literature in individuals with TERT-related disease. Nucleotide substitutions within the consensus splice site are a relatively common cause of aberrant splicing (PMID: 17576681, 9536098). Algorithms developed to predict the effect of sequence changes on RNA splicing suggest that this variant is not likely to affect RNA splicing, but this prediction has not been confirmed by published transcriptional studies. In summary, the available evidence is currently insufficient to determine the role of this variant in disease. Therefore, it has been classified as a Variant of Uncertain Significance.

Literature cited by the submitters: PubMed 17576681; PubMed 9536098.